The following is an entry in ClinVar:

NM_004448.4(ERBB2):c.2807A>G (p.Glu936Gly)

Gene: ERBB2 (erb-b2 receptor tyrosine kinase 2; plus strand). Cytogenetic location: 17q12.
Variant type: single nucleotide variant.
Coding change: c.2807A>G on transcript NM_004448.4 (MANE Select); coding-DNA position 2807, A replaced by G.
Protein change: p.Glu936Gly; replaces glutamic acid 936 with glycine.
Molecular consequence: missense variant. On other transcripts: non-coding transcript variant (1), intron variant (1).
Genome position (GRCh38, 1-based): chr17:39,725,788, A>G. VCF-style: chr17-39725788-A-G. GRCh37 (hg19) VCF-style: chr17-37882041-A-G.
Other names: c.2717A>G, p.Glu906Gly (NM_001005862.3, NM_001382782.1, NM_001382783.1); c.2762A>G, p.Glu921Gly (NM_001289936.2); c.2807A>G, p.Glu936Gly (NM_001289937.2, NM_001382796.1); c.2924A>G, p.Glu975Gly (NM_001382784.1); c.2909A>G, p.Glu970Gly (NM_001382785.1); c.2888A>G, p.Glu963Gly (NM_001382786.1); c.2882A>G, p.Glu961Gly (NM_001382787.1); c.2837A>G, p.Glu946Gly (NM_001382788.1); and 15 more; short protein forms E876G, E884G, E903G, E920G, E921G, E590G, E868G, E970G.
Identifiers: ClinVar variation 1517256 (VCV001517256.8), dbSNP rs2143070798, ClinGen allele CA399306981.

ClinVar aggregate classification (germline): Uncertain significance (1 of 4 stars; one submission).

gnomAD v4.1: 1 of 1,613,186 alleles (0.000062%); highest among the groups gnomAD compares: Admixed American, 0.0017%; no homozygotes.

Submission:

Labcorp Genetics (formerly Invitae), Labcorp
Classification: Uncertain significance. Last evaluated: 2021-03-17. Review status: criteria provided, single submitter. Criteria: Invitae Variant Classification Sherloc (09022015). Collection method: clinical testing. Allele origin: germline.
Comment: In summary, the available evidence is currently insufficient to determine the role of this variant in disease. Therefore, it has been classified as a Variant of Uncertain Significance. Algorithms developed to predict the effect of missense changes on protein structure and function are either unavailable or do not agree on the potential impact of this missense change (SIFT: "Deleterious"; PolyPhen-2: "Probably Damaging"; Align-GVGD: "Class C15"). This variant has not been reported in the literature in individuals with ERBB2-related conditions. This variant is not present in population databases (ExAC no frequency). This sequence change replaces glutamic acid with glycine at codon 936 of the ERBB2 protein (p.Glu936Gly). The glutamic acid residue is highly conserved and there is a moderate physicochemical difference between glutamic acid and glycine.